The following is an entry in ClinVar:

NM_032578.4(MYPN):c.2611G>A (p.Val871Met)

Gene: MYPN (myopalladin; plus strand). Cytogenetic location: 10q21.3.
Variant type: single nucleotide variant.
Coding change: c.2611G>A on transcript NM_032578.4 (MANE Select); coding-DNA position 2611, G replaced by A.
Protein change: p.Val871Met; replaces valine 871 with methionine.
Molecular consequence: missense variant. On other transcripts: non-coding transcript variant (1).
Genome position (GRCh38, 1-based): chr10:68,175,369, G>A. VCF-style: chr10-68175369-G-A. GRCh37 (hg19) VCF-style: chr10-69935126-G-A.
Other names: c.2611G>A, p.Val871Met (NM_001256267.2); c.1729G>A, p.Val577Met (NM_001256268.2); short protein forms V577M, V871M.
Identifiers: ClinVar variation 5025294 (VCV005025294.1).

ClinVar aggregate classification (germline): Uncertain significance (1 of 4 stars; one submission).

Conditions:
Cardiovascular phenotype. Identifiers: MedGen CN230736.

Submission:

Ambry Genetics
Classification: Uncertain significance for Cardiovascular phenotype. Last evaluated: 2026-06-15. Review status: criteria provided, single submitter. Criteria: Ambry Variant Classification Scheme 2023. Collection method: clinical testing. Allele origin: germline.
Comment: The p.V871M variant (also known as c.2611G>A), located in coding exon 11 of the MYPN gene, results from a G to A substitution at nucleotide position 2611. The valine at codon 871 is replaced by methionine, an amino acid with highly similar properties. This amino acid position is conserved. In addition, this alteration is predicted to be tolerated by in silico analysis. Based on the available evidence, the clinical significance of this variant remains unclear.